The following is an entry in ClinVar:

ClinVar aggregate classification (germline): Uncertain significance. Review status: criteria provided, multiple submitters, no conflicts (2 of 4 stars). 2 submissions from 2 submitters: Uncertain significance (2). Last evaluated 2024-12-30.

Conditions:
Hereditary cancer-predisposing syndrome. Also called: Hereditary neoplastic syndrome; Neoplastic Syndromes, Hereditary; Tumor predisposition; Hereditary Cancer Syndrome. Identifiers: Orphanet 140162, MedGen C0027672, MeSH D009386, MONDO:0015356.
EGFR-related lung cancer (EGFR). Identifiers: MedGen CN130014.

gnomAD v4.1: 4 of 1,512,042 alleles (0.00026%); highest among the groups gnomAD compares: Non-Finnish European, 0.00027%; no homozygotes.

Submissions (2):

Ambry Genetics
Classification: Uncertain significance for Hereditary cancer-predisposing syndrome. Last evaluated: 2024-12-30. Review status: criteria provided, single submitter. Criteria: Ambry Variant Classification Scheme 2023. Collection method: clinical testing. Allele origin: germline.
Comment: The p.A7D variant (also known as c.20C>A), located in coding exon 1 of the EGFR gene, results from a C to A substitution at nucleotide position 20. The alanine at codon 7 is replaced by aspartic acid, an amino acid with dissimilar properties. This amino acid position is not well conserved in available vertebrate species. In addition, this alteration is predicted to be tolerated by in silico analysis. Based on the available evidence, the clinical significance of this variant remains unclear.

Labcorp Genetics (formerly Invitae), Labcorp
Classification: Uncertain significance for EGFR-related lung cancer. Last evaluated: 2021-04-26. Review status: criteria provided, single submitter. Criteria: Invitae Variant Classification Sherloc (09022015). Collection method: clinical testing. Allele origin: germline.
Comment: In summary, the available evidence is currently insufficient to determine the role of this variant in disease. Therefore, it has been classified as a Variant of Uncertain Significance. Algorithms developed to predict the effect of missense changes on protein structure and function (SIFT, PolyPhen-2, Align-GVGD) all suggest that this variant is likely to be tolerated, but these predictions have not been confirmed by published functional studies and their clinical significance is uncertain. This variant has not been reported in the literature in individuals with EGFR-related conditions. This variant is not present in population databases (ExAC no frequency). This sequence change replaces alanine with aspartic acid at codon 7 of the EGFR protein (p.Ala7Asp). The alanine residue is weakly conserved and there is a moderate physicochemical difference between alanine and aspartic acid.

NM_005228.5(EGFR):c.20C>A (p.Ala7Asp)

Gene: EGFR (epidermal growth factor receptor; plus strand). Cytogenetic location: 7p11.2.
Variant type: single nucleotide variant.
Coding change: c.20C>A on transcript NM_005228.5 (MANE Select); coding-DNA position 20, C replaced by A.
Protein change: p.Ala7Asp; replaces alanine 7 with aspartic acid.
Molecular consequence: missense variant.
Genome position (GRCh38, 1-based): chr7:55,019,297, C>A. VCF-style: chr7-55019297-C-A. GRCh37 (hg19) VCF-style: chr7-55086990-C-A.
Other names: c.20C>A, p.Ala7Asp (NM_001346897.2, NM_001346898.2, NM_001346899.2 and 4 more transcripts); short protein forms A7D.
Identifiers: ClinVar variation 940838 (VCV000940838.10), dbSNP rs1786367350, ClinGen allele CA367611192.
Genomic context (GRCh38, chr7:55,019,297, plus strand): 5'-ATTGATCGGGAGAGCCGGAGCGAGCTCTTCGGGGAGCAGCGATGCGACCCTCCGGGACGG[C>A]CGGGGCAGCGCTCCTGGCGCTGCTGGCTGCGCTCTGCCCGGCGAGTCGGGCTCTGGAGGA-3'
Protein context (NP_005219.2, residues 1-17): MRPSGT[Ala7Asp]GAALLALLAA